The following is an entry in ClinVar:

ClinVar aggregate classification (germline): Uncertain significance (1 of 4 stars; one submission).

Conditions:
Inborn genetic diseases. Identifiers: MedGen C0950123, MeSH D030342.

gnomAD v4.1: 2 of 1,613,996 alleles (0.00012%); highest among the groups gnomAD compares: Admixed American, 0.0033%; no homozygotes.

Submission:

Ambry Genetics
Classification: Uncertain significance for Inborn genetic diseases. Last evaluated: 2025-09-20. Review status: criteria provided, single submitter. Criteria: Ambry Variant Classification Scheme 2023. Collection method: clinical testing. Allele origin: germline.
Comment: The p.I496T variant (also known as c.1487T>C), located in coding exon 1 of the SAMD9L gene, results from a T to C substitution at nucleotide position 1487. The isoleucine at codon 496 is replaced by threonine, an amino acid with similar properties. This amino acid position is conserved. In addition, the in silico prediction for this alteration is inconclusive. Based on the available evidence, the clinical significance of this variant remains unclear.

NM_152703.5(SAMD9L):c.1487T>C (p.Ile496Thr)

Gene: SAMD9L (sterile alpha motif domain containing 9 like; minus strand). Cytogenetic location: 7q21.2.
Variant type: single nucleotide variant.
Coding change: c.1487T>C on transcript NM_152703.5 (MANE Select); coding-DNA position 1487, T replaced by C.
Protein change: p.Ile496Thr; replaces isoleucine 496 with threonine.
Molecular consequence: missense variant.
Genome position (GRCh38, 1-based): chr7:93,134,485, A>G on the plus strand (T>C on the coding strand, the complement: SAMD9L is on the minus strand). VCF-style: chr7-93134485-A-G. GRCh37 (hg19) VCF-style: chr7-92763798-A-G.
Other names: c.1487T>C, p.Ile496Thr (NM_001303496.3, NM_001303497.3, NM_001303498.3 and 5 more transcripts); short protein forms I496T.
Identifiers: ClinVar variation 4630008 (VCV004630008.1).